The following is an entry in ClinVar:

ClinVar aggregate classification (germline): Uncertain significance. Review status: criteria provided, multiple submitters, no conflicts (2 of 4 stars). 3 submissions from 3 submitters: Uncertain significance (3). Last evaluated 2026-04-06.

Conditions:
Congenital myasthenic syndrome 10. Also called: Myasthenia, limb-girdle, familial. Identifiers: Orphanet 590, MedGen C1850792, MONDO:0009690, OMIM 254300.
Fetal akinesia deformation sequence 1 (FADS1). Also called: Fetal akinesia sequence; Pena-Shokeir syndrome type I. Identifiers: Orphanet 994, MedGen C1276035, MONDO:0100101, OMIM 208150, HP:0001989.

Allele frequency attached by ClinVar (database versions not stated): gnomAD 0.00001; TOPMed 0.00002.
gnomAD v4.1: 7 of 1,560,844 alleles (0.00045%); highest among the groups gnomAD compares: African/African-American, 0.0041%; no homozygotes.

Submissions (3):

GeneDx
Classification: Uncertain significance. Last evaluated: 2026-04-06. Review status: criteria provided, single submitter. Criteria: GeneDx Variant Classification Process June 2021. Collection method: clinical testing. Allele origin: germline.
Comment: Not observed at significant frequency in large population cohorts (gnomAD); In silico analysis supports that this missense variant has a deleterious effect on protein structure/function; Has not been previously published as pathogenic or benign to our knowledge; This variant is associated with the following publications: (PMID: 20012313, 20603078, 26198629)

Revvity Omics, Revvity
Classification: Uncertain significance. Last evaluated: 2023-11-28. Review status: criteria provided, single submitter. Criteria: ACMG Guidelines, 2015. Collection method: clinical testing. Allele origin: germline.

Labcorp Genetics (formerly Invitae), Labcorp
Classification: Uncertain significance for Congenital myasthenic syndrome 10; Fetal akinesia deformation sequence 1. Last evaluated: 2022-08-23. Review status: criteria provided, single submitter. Criteria: Invitae Variant Classification Sherloc (09022015). Collection method: clinical testing. Allele origin: germline.
Comment: This sequence change replaces glutamic acid, which is acidic and polar, with lysine, which is basic and polar, at codon 110 of the DOK7 protein (p.Glu110Lys). This variant is present in population databases (no rsID available, gnomAD 0.01%). This variant has not been reported in the literature in individuals affected with DOK7-related conditions. ClinVar contains an entry for this variant (Variation ID: 1378088). Algorithms developed to predict the effect of missense changes on protein structure and function are either unavailable or do not agree on the potential impact of this missense change (SIFT: "Deleterious"; PolyPhen-2: "Probably Damaging"; Align-GVGD: "Class C0"). In summary, the available evidence is currently insufficient to determine the role of this variant in disease. Therefore, it has been classified as a Variant of Uncertain Significance.

NM_173660.5(DOK7):c.328G>A (p.Glu110Lys)

Gene: DOK7 (docking protein 7; plus strand). Cytogenetic location: 4p16.3.
Variant type: single nucleotide variant.
Coding change: c.328G>A on transcript NM_173660.5 (MANE Select); coding-DNA position 328, G replaced by A.
Protein change: p.Glu110Lys; replaces glutamic acid 110 with lysine.
Molecular consequence: missense variant. On other transcripts: intron variant (1).
Genome position (GRCh38, 1-based): chr4:3,473,633, G>A. VCF-style: chr4-3473633-G-A. GRCh37 (hg19) VCF-style: chr4-3475360-G-A.
Other names: c.328G>A, p.Glu110Lys (NM_001164673.2, NM_001301071.2); c.100+10082G>A (NM_001363811.2); c.328G>A (NM_173660.4); short protein forms E110K.
Identifiers: ClinVar variation 1378088 (VCV001378088.7), dbSNP rs1024410823, ClinGen allele CA91529150.